The following is an entry in ClinVar:

NM_020297.4(ABCC9):c.1623C>G (p.Phe541Leu)

Gene: ABCC9 (ATP binding cassette subfamily C member 9; minus strand). Cytogenetic location: 12p12.1.
Variant type: single nucleotide variant.
Coding change: c.1623C>G on transcript NM_020297.4 (MANE Select); coding-DNA position 1623, C replaced by G.
Protein change: p.Phe541Leu; replaces phenylalanine 541 with leucine.
Molecular consequence: missense variant.
Genome position (GRCh38, 1-based): chr12:21,895,311, G>C on the plus strand (C>G on the coding strand, the complement: ABCC9 is on the minus strand). VCF-style: chr12-21895311-G-C. GRCh37 (hg19) VCF-style: chr12-22048245-G-C.
Other names: c.1623C>G, p.Phe541Leu (NM_001377273.1, NM_005691.4); c.759C>G, p.Phe253Leu (NM_001377274.1); short protein forms F253L, F541L.
Identifiers: ClinVar variation 4861572 (VCV004861572.1).

ClinVar aggregate classification (germline): Uncertain significance (1 of 4 stars; one submission).

Conditions:
Cardiovascular phenotype. Identifiers: MedGen CN230736.

Submission:

Ambry Genetics
Classification: Uncertain significance for Cardiovascular phenotype. Last evaluated: 2026-06-06. Review status: criteria provided, single submitter. Criteria: Ambry Variant Classification Scheme 2023. Collection method: clinical testing. Allele origin: germline.
Comment: The p.F541L variant (also known as c.1623C>G), located in coding exon 11 of the ABCC9 gene, results from a C to G substitution at nucleotide position 1623. The phenylalanine at codon 541 is replaced by leucine, an amino acid with highly similar properties. This amino acid position is conserved. In addition, this alteration is predicted to be deleterious by in silico analysis. Based on the available evidence, the clinical significance of this variant remains unclear.